The following is an entry in ClinVar:

ClinVar aggregate classification (germline): Conflicting classifications of pathogenicity. Review status: criteria provided, conflicting classifications (1 of 4 stars). 9 submissions from 9 submitters: Likely pathogenic (1); Uncertain significance (8). Last evaluated 2025-11-21.

Conditions:
Cardiovascular phenotype. Identifiers: MedGen CN230736.
Cardiomyopathy (CMYO). Also called: Cardiomyopathies. Identifiers: Orphanet 167848, MedGen C0878544, MONDO:0004994, HP:0001638. Inheritance: Various modes of inheritance.
Hypertrophic cardiomyopathy. Also called: HYPERTROPHIC MYOCARDIOPATHY. Identifiers: Orphanet 217569, MedGen C0007194, MeSH D002312, MONDO:0005045, HP:0001639.

Allele frequency attached by ClinVar (database versions not stated): gnomAD exomes below 0.00001; TOPMed 0.00006.
gnomAD v4.1: 11 of 1,611,020 alleles (0.00068%); highest among the groups gnomAD compares: African/African-American, 0.0013%; no homozygotes.

Submissions (9):

Labcorp Genetics (formerly Invitae), Labcorp
Classification: Uncertain significance for Hypertrophic cardiomyopathy. Last evaluated: 2025-11-21. Review status: criteria provided, single submitter. Criteria: Invitae Variant Classification Sherloc (09022015). Collection method: clinical testing. Allele origin: germline.
Comment: This sequence change replaces threonine, which is neutral and polar, with isoleucine, which is neutral and non-polar, at codon 1028 of the MYBPC3 protein (p.Thr1028Ile). This variant is present in population databases (rs397516002, gnomAD no frequency). This missense change has been observed in individuals with hypertrophic cardiomyopathy and/or referred for HCM genetic testing (PMID: 24510615, 26914223; internal data). ClinVar contains an entry for this variant (Variation ID: 164050). An algorithm developed to predict the effect of missense changes on protein structure and function (PolyPhen-2) suggests that this variant is likely to be disruptive. In summary, the available evidence is currently insufficient to determine the role of this variant in disease. Therefore, it has been classified as a Variant of Uncertain Significance.

Color Diagnostics, LLC DBA Color Health
Classification: Uncertain significance for Cardiomyopathy. Last evaluated: 2024-09-23. Review status: criteria provided, single submitter. Criteria: ACMG Guidelines, 2015. Collection method: clinical testing. Allele origin: germline.
Comment: This missense variant replaces threonine with isoleucine at codon 1028 of the MYBPC3 protein. Computational prediction tools indicate that this variant has a deleterious impact on protein structure and function. To our knowledge, functional studies have not been reported for this variant. This variant has been reported in individuals affected with hypertrophic cardiomyopathy (PMID: 26914223, 33495596, 33495597) as well as individuals suspected to be affected with hypertrophic cardiomyopathy (PMID: 24510615). This variant has been identified in 1/247100 chromosomes in the general population by the Genome Aggregation Database (gnomAD). The available evidence is insufficient to determine the role of this variant in disease conclusively. Therefore, this variant is classified as a Variant of Uncertain Significance.

Molecular Diagnostic Laboratory for Inherited Cardiovascular Disease, Montreal Heart Institute
Classification: Likely pathogenic for Cardiovascular phenotype. Last evaluated: 2024-09-19. Review status: criteria provided, single submitter. Criteria: ACMG Guidelines, 2015. Collection method: clinical testing. Allele origin: germline. Affected: yes.
Comment: PS4, PM2, PP3

Blueprint Genetics
Classification: Uncertain significance. Last evaluated: 2024-05-30. Review status: criteria provided, single submitter. Criteria: ACMG Guidelines, 2015. Collection method: clinical testing. Allele origin: germline.

All of Us Research Program, National Institutes of Health
Classification: Uncertain significance for Hypertrophic cardiomyopathy. Last evaluated: 2024-03-25. Review status: criteria provided, single submitter. Criteria: ACMG Guidelines, 2015. Collection method: clinical testing. Allele origin: germline. Inheritance: Autosomal dominant inheritance. Observed: 3 variant alleles, 3 heterozygotes.
Comment: This missense variant replaces threonine with isoleucine at codon 1028 of the MYBPC3 protein. Computational prediction is inconclusive regarding the impact of this variant on protein structure and function (internally defined REVEL score threshold 0.5 < inconclusive < 0.7, PMID: 27666373). To our knowledge, functional studies have not been reported for this variant. This variant has been reported in individuals affected with hypertrophic cardiomyopathy (PMID: 26914223, 33495596, 33495597) as well as individuals with suspected hypertrophic cardiomyopathy (PMID: 24510615). This variant has been identified in 1/247100 chromosomes in the general population by the Genome Aggregation Database (gnomAD). The available evidence is insufficient to determine the role of this variant in disease conclusively. Therefore, this variant is classified as a Variant of Uncertain Significance.

This study involves interpretation of variants in research participants for the purpose of population health screening. Participant phenotype was not available at the time of variant classification. Additional details can be found in publication PMID: 35346344, PMCID: PMC8962531

Ambry Genetics
Classification: Uncertain significance for Cardiovascular phenotype. Last evaluated: 2023-04-18. Review status: criteria provided, single submitter. Criteria: Ambry Variant Classification Scheme 2023. Collection method: clinical testing. Allele origin: germline.
Comment: The p.T1028I variant (also known as c.3083C>T), located in coding exon 29 of the MYBPC3 gene, results from a C to T substitution at nucleotide position 3083. The threonine at codon 1028 is replaced by isoleucine, an amino acid with similar properties. This variant was observed in individuals reported to have hypertrophic cardiomyopathy (HCM); however, clinical details were limited (Kapplinger JD et al. J Cardiovasc Transl Res, 2014 Apr;7:347-61; Murphy SL et al. J Cardiovasc Transl Res, 2016 Apr;9:153-61). This amino acid position is highly conserved in available vertebrate species. In addition, the in silico prediction for this alteration is inconclusive. Since supporting evidence is limited at this time, the clinical significance of this alteration remains unclear.

GeneDx
Classification: Uncertain significance. Last evaluated: 2022-05-24. Review status: criteria provided, single submitter. Criteria: GeneDx Variant Classification Process June 2021. Collection method: clinical testing. Allele origin: germline. Affected: yes.
Comment: Reported in patients referred for HCM genetic testing in the published literature (Kapplinger et al., 2014); Not observed at significant frequency in large population cohorts (gnomAD); In silico analysis supports that this missense variant has a deleterious effect on protein structure/function; This variant is associated with the following publications: (PMID: 24510615, 26914223, 18403758)

CHEO Genetics Diagnostic Laboratory, Children's Hospital of Eastern Ontario
Classification: Uncertain significance for Cardiomyopathy. Last evaluated: 2022-03-02. Review status: criteria provided, single submitter. Criteria: ACMG Guidelines, 2015. Collection method: clinical testing. Allele origin: germline.

Laboratory for Molecular Medicine, Mass General Brigham Personalized Medicine
Classification: Uncertain significance. Last evaluated: 2019-04-05. Review status: criteria provided, single submitter. Criteria: ACMG Guidelines, 2015. Collection method: clinical testing. Allele origin: germline.
Comment: The p.Thr1028Ile variant in MYBPC3 has been identified in 4 individuals with HCM (Kapplinger 2014, LMM unpublished data) and was absent from large population studies. Computational prediction tools and conservation analysis suggest that this variant may impact the protein, though this information is not predictive enough to determine pathogenicity. In summary, the clinical significance of the Thr1028Ile variant is uncertain. The ACMG/AMP Criteria applied: PS4_Mod; PM2; PP3 (2 moderate, 1 supporting)

Literature cited by the submitters: PubMed 24510615 (cited by 5 submitters); PubMed 26914223 (cited by 4 submitters); PubMed 33495596 (cited by Color Diagnostics, LLC DBA Color Health and All of Us Research Program, National Institutes of Health); PubMed 33495597 (cited by Color Diagnostics, LLC DBA Color Health and All of Us Research Program, National Institutes of Health); PubMed 18403758 (cited by Laboratory for Molecular Medicine, Mass General Brigham Personalized Medicine).

NM_000256.3(MYBPC3):c.3083C>T (p.Thr1028Ile)

Gene: MYBPC3 (myosin binding protein C3; minus strand). Cytogenetic location: 11p11.2.
Variant type: single nucleotide variant.
Coding change: c.3083C>T on transcript NM_000256.3 (MANE Select); coding-DNA position 3083, C replaced by T.
Protein change: p.Thr1028Ile; replaces threonine 1028 with isoleucine.
Molecular consequence: missense variant.
Genome position (GRCh38, 1-based): chr11:47,333,664, G>A on the plus strand (C>T on the coding strand, the complement: MYBPC3 is on the minus strand). VCF-style: chr11-47333664-G-A. GRCh37 (hg19) VCF-style: chr11-47355215-G-A.
Other names: short protein forms T1028I.
Identifiers: ClinVar variation 164050 (VCV000164050.32), dbSNP rs397516002, ClinGen allele CA013426.